The following is an entry in ClinVar:

NM_001378477.3(NYX):c.1003T>C (p.Cys335Arg)

Gene: NYX (nyctalopin; plus strand). Cytogenetic location: Xp11.4.
Variant type: single nucleotide variant.
Coding change: c.1003T>C on transcript NM_001378477.3 (MANE Select); coding-DNA position 1003, T replaced by C.
Protein change: p.Cys335Arg; replaces cysteine 335 with arginine.
Molecular consequence: missense variant.
Genome position (GRCh38, 1-based): chrX:41,474,471, T>C. VCF-style: chrX-41474471-T-C. GRCh37 (hg19) VCF-style: chrX-41333724-T-C.
Other names: c.1003T>C, p.Cys335Arg (NM_022567.3); short protein forms C335R.
Identifiers: ClinVar variation 2701952 (VCV002701952.3), dbSNP rs1602181006, ClinGen allele CA412992095.

ClinVar aggregate classification (germline): Uncertain significance (1 of 4 stars; one submission).

Submission:

Labcorp Genetics (formerly Invitae), Labcorp
Classification: Uncertain significance. Last evaluated: 2023-12-10. Review status: criteria provided, single submitter. Criteria: Invitae Variant Classification Sherloc (09022015). Collection method: clinical testing. Allele origin: germline.
Comment: This sequence change replaces cysteine, which is neutral and slightly polar, with arginine, which is basic and polar, at codon 340 of the NYX protein (p.Cys340Arg). This variant is not present in population databases (gnomAD no frequency). This variant has not been reported in the literature in individuals affected with NYX-related conditions. Advanced modeling of protein sequence and biophysical properties (such as structural, functional, and spatial information, amino acid conservation, physicochemical variation, residue mobility, and thermodynamic stability) performed at Invitae indicates that this missense variant is expected to disrupt NYX protein function with a positive predictive value of 80%. In summary, the available evidence is currently insufficient to determine the role of this variant in disease. Therefore, it has been classified as a Variant of Uncertain Significance.